The following is an entry in ClinVar:

NM_004004.6(GJB2):c.487A>C (p.Met163Leu)

Gene: GJB2 (gap junction protein beta 2; minus strand). Cytogenetic location: 13q12.11.
Variant type: single nucleotide variant.
Coding change: c.487A>C on transcript NM_004004.6 (MANE Select); coding-DNA position 487, A replaced by C.
Protein change: p.Met163Leu; replaces methionine 163 with leucine.
Molecular consequence: missense variant.
Genome position (GRCh38, 1-based): chr13:20,189,095, T>G on the plus strand (A>C on the coding strand, the complement: GJB2 is on the minus strand). VCF-style: chr13-20189095-T-G. GRCh37 (hg19) VCF-style: chr13-20763234-T-G.
Other names: short protein forms M163L.
Identifiers: ClinVar variation 424854 (VCV000424854.4), dbSNP rs80338949, ClinGen allele CA16621538.
Genomic context (GRCh38, chr13:20,189,095, plus strand): 5'-ACACAAAGCAGTCCACAGTGTTGGGACAAGGCCAGGCGTTGCACTTCACCAGCCGCTGCA[T>G]GGAGAAGCCGTCGTACATGACATAGAAGACGTACATGAAGGCGGCTTCGAAGATGACCCG-3'
Protein context (NP_003995.2, residues 153-173): VFYVMYDGFS[Met163Leu]QRLVKCNAWP

ClinVar aggregate classification (germline): Uncertain significance. Review status: criteria provided, single submitter (1 of 4 stars). 2 submissions from 2 submitters: Uncertain significance (1). 1 of the submissions does not count toward it. Last evaluated 2020-08-04.

Conditions:
Nonsyndromic genetic hearing loss. Also called: Nonsyndromic hearing loss and deafness; Non-syndromic genetic deafness; Nonsyndromic genetic deafness. Identifiers: Orphanet 87884, MedGen C5680182, MONDO:0019497.
Autosomal dominant nonsyndromic hearing loss 3A. Identifiers: Orphanet 90635, MedGen C2675750, MONDO:0011103, OMIM 601544.

Submissions (2):

INGEBI, INGEBI / CONICET
Classification: Uncertain significance for Nonsyndromic hearing loss and deafness. Last evaluated: 2020-08-04. Review status: criteria provided, single submitter. Criteria: ClinGen HL ACMG Specifications v1. Collection method: clinical testing. Allele origin: germline. Inheritance: Autosomal dominant inheritance. Affected: yes. Observed: 1 variant allele.
Comment: Based on ACMG/AMP guidelines and Hearing Loss Expert Panel (HL-EP) specific criteria: the c.487A>C, p.Met163Leu variant in GJB2 gene is absent from population databases (gnomAD, GO-ESP, 1000 genomes) meeting PM2 criteria. Computational evidence is not enough to meet neither PP3 nor BP4 rules, since REVEL score is 0.534. In the same report, the variant was studied in HeLa cells demonstrating that the mutant protein p.Met163Leu had defective trafficking to the plasma membrane and was associated with increased cell death (PMID:18472371). Since the functional studies performed in that report were not the specified by the HL-EP, the evidence strength has been downgraded to PS3_Supporting. Besides, the p.Met163Leu change has beed identified in heterozygous state in two hearing loss patients (PMID: 23668481;19887791) meeting PS4_Supporting rule. In summary, the clinical significance of this variant is currently uncertain (PM2, PS3_Supporting, PS4_Supporting).

GeneReviews
No classification provided. Condition: Autosomal dominant nonsyndromic hearing loss 3A. Review status: no classification provided. Collection method: literature only. Allele origin: germline. Not counted in ClinVar's aggregate classification.

Literature cited by the submitters: PubMed 18472371 (cited by INGEBI, INGEBI / CONICET); PubMed 23668481 (cited by INGEBI, INGEBI / CONICET); PubMed 19887791 (cited by INGEBI, INGEBI / CONICET); NCBI Bookshelf NBK1536 (cited by GeneReviews).